The following is an entry in ClinVar:

NM_000334.4(SCN4A):c.1125C>A (p.Cys375Ter)

Gene: SCN4A (sodium voltage-gated channel alpha subunit 4; minus strand). Cytogenetic location: 17q23.3.
Variant type: single nucleotide variant.
Coding change: c.1125C>A on transcript NM_000334.4 (MANE Select); coding-DNA position 1125, C replaced by A.
Protein change: p.Cys375Ter; replaces cysteine 375 with a stop codon.
Molecular consequence: nonsense.
Genome position (GRCh38, 1-based): chr17:63,966,219, G>T on the plus strand (C>A on the coding strand, the complement: SCN4A is on the minus strand). VCF-style: chr17-63966219-G-T. GRCh37 (hg19) VCF-style: chr17-62043579-G-T.
Other names: short protein forms C375*.
Identifiers: ClinVar variation 2789589 (VCV002789589.3), dbSNP rs557322255, ClinGen allele CA400636446.

ClinVar aggregate classification (germline): Pathogenic (1 of 4 stars; one submission).

Conditions:
Hyperkalemic periodic paralysis. Also called: Familial hyperkalemic periodic paralysis; Gamstorp disease. Identifiers: Orphanet 682, MedGen C0238357, MONDO:0008224, OMIM 170500, HP:0007215.

Submission:

Labcorp Genetics (formerly Invitae), Labcorp
Classification: Pathogenic for Hyperkalemic periodic paralysis. Last evaluated: 2024-11-04. Review status: criteria provided, single submitter. Criteria: Invitae Variant Classification Sherloc (09022015). Collection method: clinical testing. Allele origin: germline.
Comment: This sequence change creates a premature translational stop signal (p.Cys375*) in the SCN4A gene. It is expected to result in an absent or disrupted protein product. Loss-of-function variants in SCN4A are known to be pathogenic (PMID: 26700687). This variant is not present in population databases (gnomAD no frequency). This variant has not been reported in the literature in individuals affected with SCN4A-related conditions. ClinVar contains an entry for this variant (Variation ID: 2789589). For these reasons, this variant has been classified as Pathogenic.

Literature cited by the submitters: PubMed 26700687.